The following is an entry in ClinVar:

NM_000277.3(PAH):c.493_496del (p.Ala165fs)

Gene: PAH (phenylalanine hydroxylase; minus strand). Cytogenetic location: 12q23.2.
Variant type: Deletion.
Coding change: c.493_496del on transcript NM_000277.3 (MANE Select); coding-DNA positions 493 to 496, 4 bases deleted (GCCT; older notation c.493_496delGCCT).
Protein change: p.Ala165fs; shifts the reading frame from alanine 165.
Molecular consequence: frameshift variant.
Genome position (GRCh38, 1-based): chr12:102,866,609-102,866,612, AGGC deleted on the plus strand (GCCT on the coding strand, the reverse complement: PAH is on the minus strand); deleting any 4 consecutive bases within chr12:102,866,609-102,866,613 gives the same sequence; the c. name uses the placement nearest the transcript's 3' end. VCF-style (leftmost placement, unchanged base first): chr12-102866608-TAGGC-T. GRCh37 (hg19) VCF-style: chr12-103260386-TAGGC-T.
Other names: c.493_496del, p.Ala165fs (NM_001354304.2); short protein forms A165fs.
Identifiers: ClinVar variation 2035540 (VCV002035540.4), dbSNP rs2499636893, ClinGen allele CA2580085681.

ClinVar aggregate classification (germline): Pathogenic (1 of 4 stars; one submission).

Conditions:
Phenylketonuria (PKU). Also called: FOLLING DISEASE; Phenylketonurias; Phenylketonuria (PKU); OLIGOPHRENIA PHENYLPYRUVICA. Identifiers: Orphanet 716, MedGen C0031485, MONDO:0009861, OMIM 261600. Disease mechanism: loss of function.

Submission:

Labcorp Genetics (formerly Invitae), Labcorp
Classification: Pathogenic for Phenylketonuria. Last evaluated: 2022-10-14. Review status: criteria provided, single submitter. Criteria: Invitae Variant Classification Sherloc (09022015). Collection method: clinical testing. Allele origin: germline.
Comment: For these reasons, this variant has been classified as Pathogenic. This variant has not been reported in the literature in individuals affected with PAH-related conditions. This variant is not present in population databases (gnomAD no frequency). This sequence change creates a premature translational stop signal (p.Ala165Thrfs*29) in the PAH gene. It is expected to result in an absent or disrupted protein product. Loss-of-function variants in PAH are known to be pathogenic (PMID: 1301187, 9634518).

Literature cited by the submitters: PubMed 1301187; PubMed 9634518.